The following is an entry in ClinVar:

ClinVar aggregate classification (germline): Uncertain significance. Review status: criteria provided, single submitter (1 of 4 stars). 2 submissions from 1 submitter: Uncertain significance (1). 1 of the submissions does not count toward it. Last evaluated 2023-09-01.

Conditions:
Tuberous sclerosis 2 (TSC2). Identifiers: Orphanet 805, MedGen C1860707, MONDO:0013199, OMIM 613254.

Submissions (2):

Labcorp Genetics (formerly Invitae), Labcorp
Classification: Uncertain significance for Tuberous sclerosis 2. Last evaluated: 2023-09-01. Review status: criteria provided, single submitter. Criteria: Invitae Variant Classification Sherloc (09022015). Collection method: clinical testing. Allele origin: germline.
Comment: This variant is a copy number gain that occurs in a non-coding region of the TSC2 gene. It does not change the encoded amino acid sequence of the TSC2 protein. This variant has not been reported in the literature in individuals affected with TSC2-related conditions. Experimental studies and prediction algorithms are not available or were not evaluated, and the functional significance of this variant is currently unknown. In summary, the available evidence is currently insufficient to determine the role of this variant in disease. Therefore, it has been classified as a Variant of Uncertain Significance.

Labcorp Genetics (formerly Invitae), Labcorp
Classification: Uncertain significance. Last evaluated: 2019-11-18. Review status: flagged submission. Criteria: Invitae Variant Classification Sherloc (09022015). Collection method: clinical testing. Allele origin: germline. Not counted in ClinVar's aggregate classification.
Comment: This variant results in a copy number gain of the genomic region encompassing the full coding sequence of the NTHL1 gene. The boundaries of this event are unknown as they extend beyond the assayed region for this gene and therefore may encompass additional genes. As the precise location of this event is unknown, it may be in tandem or it may be located elsewhere in the genome. This variant has not been reported in the literature in individuals with NTHL1-related conditions. In summary, the available evidence is currently insufficient to determine the role of this variant in disease. Therefore, it has been classified as a Variant of Uncertain Significance.
ClinVar note: Reason: This record appears to be redundant with a more recent record from the same submitter.
ClinVar note: Notes: SCV001196669 appears to be redundant with SCV001560967.

NC_000016.10:g.(?_2039924)_(2048065_?)dup

Genes: NTHL1 (nth like DNA glycosylase 1; minus strand), TSC2 (TSC complex subunit 2; plus strand). Cytogenetic location: 16p13.3.
Variant type: Duplication.
Identifiers: ClinVar variation 832893 (VCV000832893.6).